The following is an entry in ClinVar:

NM_002335.4(LRP5):c.3227C>T (p.Ala1076Val)

Gene: LRP5 (LDL receptor related protein 5; plus strand). Cytogenetic location: 11q13.2.
Variant type: single nucleotide variant.
Coding change: c.3227C>T on transcript NM_002335.4 (MANE Select); coding-DNA position 3227, C replaced by T.
Protein change: p.Ala1076Val; replaces alanine 1076 with valine.
Molecular consequence: missense variant.
Genome position (GRCh38, 1-based): chr11:68,423,688, C>T. VCF-style: chr11-68423688-C-T. GRCh37 (hg19) VCF-style: chr11-68191156-C-T.
Other names: c.1484C>T, p.Ala495Val (NM_001291902.2); c.3227C>T (NM_002335.2); short protein forms A1076V, A495V.
Identifiers: ClinVar variation 1414570 (VCV001414570.10), dbSNP rs761682970, ClinGen allele CA6149883.

ClinVar aggregate classification (germline): Uncertain significance. Review status: criteria provided, multiple submitters, no conflicts (2 of 4 stars). 3 submissions from 3 submitters: Uncertain significance (3). Last evaluated 2024-12-17.

Conditions:
Exudative vitreoretinopathy 4 (EVR4). Identifiers: Orphanet 891, MedGen C1866176, MONDO:0011151, OMIM 601813.
Bone mineral density quantitative trait locus 1 (BMND1). Identifiers: MedGen C1866079, OMIM 601884.
Worth disease. Also called: ENDOSTEAL HYPEROSTOSIS, AUTOSOMAL DOMINANT; OSTEOSCLEROSIS, AUTOSOMAL DOMINANT; Autosomal dominant osteosclerosis, Worth type. Identifiers: Orphanet 2790, MedGen C0432273, MONDO:0007764, OMIM 144750.
Exudative vitreoretinopathy 1 (EVR1). Also called: CRISWICK-SCHEPENS SYNDROME; FEVR, AUTOSOMAL DOMINANT; Familial exudative vitreoretinopathy, autosomal dominant. Identifiers: Orphanet 891, Orphanet 90050, MedGen C1851402, MONDO:0007589, OMIM 133780.
Osteoporosis with pseudoglioma (OPPG). Also called: osteoporosis-pseudoglioma syndrome. Identifiers: Orphanet 2788, MedGen C0432252, MONDO:0009820, OMIM 259770.
Polycystic liver disease 4 with or without kidney cysts. Identifiers: MedGen C4693479, MONDO:0044327, OMIM 617875.
Osteoporosis. Identifiers: MedGen C0029456, MONDO:0005298, OMIM 166710, HP:0000939.
Autosomal dominant osteopetrosis 1 (OPTA1). Also called: OSTEOPETROSIS, AUTOSOMAL DOMINANT, TYPE I. Identifiers: Orphanet 2783, MedGen C1843330, MONDO:0011877, OMIM 607634.
Inborn genetic diseases. Identifiers: MedGen C0950123, MeSH D030342.

Allele frequency attached by ClinVar (database versions not stated): ExAC 0.00001; gnomAD 0.00001; gnomAD exomes 0.00001; TOPMed 0.00001.
gnomAD v4.1: 13 of 1,610,748 alleles (0.00081%); highest among the groups gnomAD compares: South Asian, 0.0066%; no homozygotes.

Submissions (3):

Ambry Genetics
Classification: Uncertain significance for Inborn genetic diseases. Last evaluated: 2024-12-17. Review status: criteria provided, single submitter. Criteria: Ambry Variant Classification Scheme 2023. Collection method: clinical testing. Allele origin: germline.

Labcorp Genetics (formerly Invitae), Labcorp
Classification: Uncertain significance. Last evaluated: 2024-10-15. Review status: criteria provided, single submitter. Criteria: Invitae Variant Classification Sherloc (09022015). Collection method: clinical testing. Allele origin: germline.
Comment: This sequence change replaces alanine, which is neutral and non-polar, with valine, which is neutral and non-polar, at codon 1076 of the LRP5 protein (p.Ala1076Val). This variant is present in population databases (rs761682970, gnomAD 0.007%). This variant has not been reported in the literature in individuals affected with LRP5-related conditions. ClinVar contains an entry for this variant (Variation ID: 1414570). Invitae Evidence Modeling of protein sequence and biophysical properties (such as structural, functional, and spatial information, amino acid conservation, physicochemical variation, residue mobility, and thermodynamic stability) indicates that this missense variant is not expected to disrupt LRP5 protein function with a negative predictive value of 95%. In summary, the available evidence is currently insufficient to determine the role of this variant in disease. Therefore, it has been classified as a Variant of Uncertain Significance.

Fulgent Genetics
Classification: Uncertain significance for Exudative vitreoretinopathy 1; Worth disease; Osteoporosis; Osteoporosis with pseudoglioma; Exudative vitreoretinopathy 4; Bone mineral density quantitative trait locus 1; Autosomal dominant osteopetrosis 1; Polycystic liver disease 4 with or without kidney cysts. Last evaluated: 2022-01-18. Review status: criteria provided, single submitter. Criteria: ACMG Guidelines, 2015. Collection method: clinical testing. Allele origin: unknown.